The following is an entry in ClinVar:

NM_001042424.3(NSD2):c.3554G>T (p.Gly1185Val)

Gene: NSD2 (nuclear receptor binding SET domain protein 2; plus strand). Cytogenetic location: 4p16.3.
Variant type: single nucleotide variant.
Coding change: c.3554G>T on transcript NM_001042424.3 (MANE Select); coding-DNA position 3554, G replaced by T.
Protein change: p.Gly1185Val; replaces glycine 1185 with valine.
Molecular consequence: missense variant.
Genome position (GRCh38, 1-based): chr4:1,975,333, G>T. VCF-style: chr4-1975333-G-T. GRCh37 (hg19) VCF-style: chr4-1977060-G-T.
Other names: c.3554G>T, p.Gly1185Val (NM_133330.3, NM_133331.3, NM_133335.4); short protein forms G1185V.
Identifiers: ClinVar variation 3366986 (VCV003366986.1).

ClinVar aggregate classification (germline): Likely pathogenic (1 of 4 stars; one submission).

Conditions:
Rauch-Steindl syndrome (RAUST). Identifiers: Orphanet 659642, MedGen C5562061, MONDO:0859219, OMIM 619695.

Submission:

Institute of Immunology and Genetics Kaiserslautern
Classification: Likely pathogenic for Rauch-Steindl syndrome. Last evaluated: 2023-12-22. Review status: criteria provided, single submitter. Criteria: ACMG Guidelines, 2015. Collection method: clinical testing. Allele origin: de novo. Affected: yes.
Comment: ACMG Criteria: PS2, PM2, PP3; Variant was found in heterozygous state. De novo-status was confirmed via in-house segregation analysis.